The following is an entry in ClinVar:

NM_005060.4(RORC):c.226G>A (p.Asp76Asn)

Gene: RORC (RAR related orphan receptor C; minus strand). Cytogenetic location: 1q21.3.
Variant type: single nucleotide variant.
Coding change: c.226G>A on transcript NM_005060.4 (MANE Select); coding-DNA position 226, G replaced by A.
Protein change: p.Asp76Asn; replaces aspartic acid 76 with asparagine.
Molecular consequence: missense variant.
Genome position (GRCh38, 1-based): chr1:151,816,736, C>T on the plus strand (G>A on the coding strand, the complement: RORC is on the minus strand). VCF-style: chr1-151816736-C-T. GRCh37 (hg19) VCF-style: chr1-151789212-C-T.
Other names: c.163G>A, p.Asp55Asn (NM_001001523.2); short protein forms D55N, D76N.
Identifiers: ClinVar variation 834189 (VCV000834189.5), dbSNP rs751829653, ClinGen allele CA1095960.

ClinVar aggregate classification (germline): Uncertain significance (1 of 4 stars; one submission).

Conditions:
Autosomal recessive mendelian susceptibility to mycobacterial diseases due to complete RORgamma receptor deficiency. Also called: Immunodeficiency 42. Identifiers: Orphanet 477857, MedGen C5567647, MONDO:0014710, OMIM 616622.

Allele frequency attached by ClinVar (database versions not stated): TOPMed below 0.00001; ExAC 0.00001; gnomAD 0.00001; gnomAD exomes 0.00001.

Submission:

Labcorp Genetics (formerly Invitae), Labcorp
Classification: Uncertain significance for Autosomal recessive mendelian susceptibility to mycobacterial diseases due to complete RORgamma receptor deficiency. Last evaluated: 2021-10-09. Review status: criteria provided, single submitter. Criteria: Invitae Variant Classification Sherloc (09022015). Collection method: clinical testing. Allele origin: germline.
Comment: This sequence change replaces aspartic acid with asparagine at codon 76 of the RORC protein (p.Asp76Asn). The aspartic acid residue is highly conserved and there is a small physicochemical difference between aspartic acid and asparagine. This variant is present in population databases (rs751829653, ExAC 0.02%). This variant has not been reported in the literature in individuals affected with RORC-related conditions. Algorithms developed to predict the effect of missense changes on protein structure and function are either unavailable or do not agree on the potential impact of this missense change (SIFT: "Deleterious"; PolyPhen-2: "Probably Damaging"; Align-GVGD: "Class C0"). In summary, the available evidence is currently insufficient to determine the role of this variant in disease. Therefore, it has been classified as a Variant of Uncertain Significance.